The following is an entry in ClinVar:

ClinVar aggregate classification (germline): Uncertain significance (1 of 4 stars; one submission).

Allele frequency attached by ClinVar (database versions not stated): gnomAD exomes below 0.00001; ExAC 0.00001.
gnomAD v4.1: 2 of 1,612,426 alleles (0.00012%); highest among the groups gnomAD compares: Admixed American, 0.0017%; no homozygotes.

Submission:

Labcorp Genetics (formerly Invitae), Labcorp
Classification: Uncertain significance. Last evaluated: 2025-06-01. Review status: criteria provided, single submitter. Criteria: Invitae Variant Classification Sherloc (09022015). Collection method: clinical testing. Allele origin: germline.
Comment: This sequence change replaces alanine, which is neutral and non-polar, with proline, which is neutral and non-polar, at codon 106 of the ROM1 protein (p.Ala106Pro). This variant is present in population databases (rs775843049, gnomAD 0.003%). This variant has not been reported in the literature in individuals affected with ROM1-related conditions. ClinVar contains an entry for this variant (Variation ID: 2151189). Invitae Evidence Modeling of protein sequence and biophysical properties (such as structural, functional, and spatial information, amino acid conservation, physicochemical variation, residue mobility, and thermodynamic stability) indicates that this missense variant is not expected to disrupt ROM1 protein function with a negative predictive value of 80%. In summary, the available evidence is currently insufficient to determine the role of this variant in disease. Therefore, it has been classified as a Variant of Uncertain Significance.

NM_000327.4(ROM1):c.316G>C (p.Ala106Pro)

Gene: ROM1 (retinal outer segment membrane protein 1; plus strand). Cytogenetic location: 11q12.3.
Variant type: single nucleotide variant.
Coding change: c.316G>C on transcript NM_000327.4 (MANE Select); coding-DNA position 316, G replaced by C.
Protein change: p.Ala106Pro; replaces alanine 106 with proline.
Molecular consequence: missense variant.
Genome position (GRCh38, 1-based): chr11:62,613,597, G>C. VCF-style: chr11-62613597-G-C. GRCh37 (hg19) VCF-style: chr11-62381069-G-C.
Other names: short protein forms A106P.
Identifiers: ClinVar variation 2151189 (VCV002151189.4), dbSNP rs775843049, ClinGen allele CA6049698.